The following is an entry in ClinVar:

NM_007294.4(BRCA1):c.3448C>A (p.Pro1150Thr)

Genes: BRCA1 (BRCA1 DNA repair associated; minus strand), LOC126862571 (BRD4-independent group 4 enhancer GRCh37_chr17:41243136-41244335; plus strand). Cytogenetic location: 17q21.31.
Variant type: single nucleotide variant.
Coding change: c.3448C>A on transcript NM_007294.4 (MANE Select); coding-DNA position 3448, C replaced by A.
Protein change: p.Pro1150Thr; replaces proline 1150 with threonine.
Molecular consequence: missense variant. On other transcripts: intron variant (135).
Genome position (GRCh38, 1-based): chr17:43,092,083, G>T on the plus strand (C>A on the coding strand, the complement: BRCA1 is on the minus strand). VCF-style: chr17-43092083-G-T. GRCh37 (hg19) VCF-style: chr17-41244100-G-T.
Other names: c.3325C>A, p.Pro1109Thr (NM_001407648.1, NM_001407675.1, NM_001407676.1 and 19 more transcripts); c.3322C>A, p.Pro1108Thr (NM_001407649.1, NM_001407670.1, NM_001407671.1 and 11 more transcripts); c.3448C>A, p.Pro1150Thr (NM_001407652.1, NM_001407581.1, NM_001407582.1 and 30 more transcripts); c.3370C>A, p.Pro1124Thr (NM_001407653.1, NM_001407654.1, NM_001407655.1 and 4 more transcripts); c.3367C>A, p.Pro1123Thr (NM_001407660.1, NM_001407661.1, NM_001407662.1 and 1 more transcripts); c.3235C>A, p.Pro1079Thr (NM_001407571.1, NM_001407853.1, NM_001407894.1 and 9 more transcripts); c.3445C>A, p.Pro1149Thr (NM_001407587.1, NM_001407590.1, NM_001407591.1 and 22 more transcripts); c.3439C>A, p.Pro1147Thr (NM_001407646.1, NM_001407647.1); and 41 more; short protein forms P1150T, P1103T, P1039T, P1061T, P1083T, P1102T, P1038T, P1082T.
Identifiers: ClinVar variation 953678 (VCV000953678.13), dbSNP rs80357272, ClinGen allele CA10595088.
Genomic context (GRCh38, chr17:43,092,083, plus strand): 5'-TGTCATTTTCAGCAAAACTAGTATCTTCCTTTATTTCACCATCATCTAACAGGTCATCAG[G>T]TGTCTCAGAACAAACCTGAGATGCATGACTACTTCCCATAGGCTGTTCTAAGTTATCTGA-3'
Protein context (NP_009225.1, residues 1140-1160): SHASQVCSET[Pro1150Thr]DDLLDDGEIK

ClinVar aggregate classification (germline): Conflicting classifications of pathogenicity. Review status: criteria provided, conflicting classifications (1 of 4 stars). 2 submissions from 2 submitters: Uncertain significance (1); Likely benign (1). Last evaluated 2023-03-23.

Conditions:
Hereditary breast ovarian cancer syndrome. Also called: Hereditary breast and ovarian cancer; Hereditary breast and/or ovarian cancer syndrome; Hereditary breast and ovarian cancer syndrome; Hereditary breast and ovarian cancer syndrome (HBOC); Breast and ovarian cancer; BRCA1- and BRCA2-Associated Hereditary Breast and Ovarian Cancer. Identifiers: Orphanet 145, MedGen C0677776, MeSH D061325, MONDO:0003582. Disease mechanism: loss of function.
Hereditary cancer-predisposing syndrome. Also called: Hereditary neoplastic syndrome; Tumor predisposition; Neoplastic Syndromes, Hereditary; Hereditary Cancer Syndrome. Identifiers: Orphanet 140162, MedGen C0027672, MeSH D009386, MONDO:0015356.

Submissions (2):

University of Washington Department of Laboratory Medicine, University of Washington
Classification: Likely benign for Hereditary cancer-predisposing syndrome. Last evaluated: 2023-03-23. Review status: criteria provided, single submitter. Criteria: Dines et al. (Genet Med. 2020). Collection method: curation. Allele origin: germline.
Comment: Missense variant in a coldspot region where missense variants are very unlikely to be pathogenic (PMID:31911673).

BRCA1 coldspot (exon 11 using historical exon numbering). Reclassification based on statistical prior probability

Labcorp Genetics (formerly Invitae), Labcorp
Classification: Uncertain significance for Hereditary breast ovarian cancer syndrome. Last evaluated: 2019-10-29. Review status: criteria provided, single submitter. Criteria: Invitae Variant Classification Sherloc (09022015). Collection method: clinical testing. Allele origin: germline.
Comment: This variant has not been reported in the literature in individuals with BRCA1-related conditions. This sequence change replaces proline with threonine at codon 1150 of the BRCA1 protein (p.Pro1150Thr). The proline residue is highly conserved and there is a small physicochemical difference between proline and threonine. This variant is not present in population databases (ExAC no frequency). Algorithms developed to predict the effect of missense changes on protein structure and function are either unavailable or do not agree on the potential impact of this missense change (SIFT: "Deleterious"; PolyPhen-2: "Probably Damaging"; Align-GVGD: "Class C0"). In summary, the available evidence is currently insufficient to determine the role of this variant in disease. Therefore, it has been classified as a Variant of Uncertain Significance.